The following is an entry in ClinVar:

NM_024685.4(BBS10):c.2039C>T (p.Ser680Leu)

Gene: BBS10 (Bardet-Biedl syndrome 10; minus strand). Cytogenetic location: 12q21.2.
Variant type: single nucleotide variant.
Coding change: c.2039C>T on transcript NM_024685.4 (MANE Select); coding-DNA position 2039, C replaced by T.
Protein change: p.Ser680Leu; replaces serine 680 with leucine.
Molecular consequence: missense variant.
Genome position (GRCh38, 1-based): chr12:76,345,946, G>A on the plus strand (C>T on the coding strand, the complement: BBS10 is on the minus strand). VCF-style: chr12-76345946-G-A. GRCh37 (hg19) VCF-style: chr12-76739726-G-A.
Other names: c.2039C>T (NM_024685.3); short protein forms S680L.
Identifiers: ClinVar variation 3002102 (VCV003002102.4), dbSNP rs2540954853, ClinGen allele CA385808442.
Genomic context (GRCh38, chr12:76,345,946, plus strand): 5'-GTTAATATTTTTGTCAAACACTGAAGAACTGAAGTTAGTAGCTGGTATTTACCCATTACT[G>A]ATTCCAAACCTGTCTGACTGCTTACCAAGGGTTGATTGGTTTGCAGTGCATGGACAGCTC-3'
Protein context (NP_078961.3, residues 670-690): PLVSSQTGLE[Ser680Leu]VMGKYQLLTS

ClinVar aggregate classification (germline): Uncertain significance. Review status: criteria provided, single submitter (1 of 4 stars). 2 submissions from 2 submitters: Uncertain significance (1). 1 of the submissions does not count toward it. Last evaluated 2023-12-13.

Conditions:
Bardet-Biedl syndrome (BBS). Identifiers: Orphanet 110, MedGen C0752166, MONDO:0015229.
BBS10-related disorder. Also called: BBS10-related condition.

Submissions (2):

Labcorp Genetics (formerly Invitae), Labcorp
Classification: Uncertain significance for Bardet-Biedl syndrome. Last evaluated: 2023-12-13. Review status: criteria provided, single submitter. Criteria: Invitae Variant Classification Sherloc (09022015). Collection method: clinical testing. Allele origin: germline.
Comment: This sequence change replaces serine, which is neutral and polar, with leucine, which is neutral and non-polar, at codon 680 of the BBS10 protein (p.Ser680Leu). This variant is not present in population databases (gnomAD no frequency). This missense change has been observed in individual(s) with clinical features of Bardet-Biedl syndrome (Invitae). Advanced modeling of protein sequence and biophysical properties (such as structural, functional, and spatial information, amino acid conservation, physicochemical variation, residue mobility, and thermodynamic stability) has been performed at Invitae for this missense variant, however the output from this modeling did not meet the statistical confidence thresholds required to predict the impact of this variant on BBS10 protein function. In summary, the available evidence is currently insufficient to determine the role of this variant in disease. Therefore, it has been classified as a Variant of Uncertain Significance.

PreventionGenetics, part of Exact Sciences
Classification: Uncertain significance for BBS10-related condition. Last evaluated: 2024-07-08. Review status: no assertion criteria provided. Collection method: clinical testing. Allele origin: germline. Not counted in ClinVar's aggregate classification.
Comment: The BBS10 c.2039C>T variant is predicted to result in the amino acid substitution p.Ser680Leu. To our knowledge, this variant has not been reported in the literature or in a large population database, indicating this variant is rare. At this time, the clinical significance of this variant is uncertain due to the absence of conclusive functional and genetic evidence.